The following is an entry in ClinVar:

ClinVar aggregate classification (germline): Pathogenic (1 of 4 stars; one submission).

Conditions:
Neurofibromatosis, type 1 (NF1). Also called: VON RECKLINGHAUSEN DISEASE; Peripheral type neurofibromatosis; NEUROFIBROMATOSIS, TYPE I, SOMATIC; Neurofibromatosis, type I. Identifiers: Orphanet 636, MedGen C0027831, MONDO:0018975, OMIM 162200. Disease mechanism: loss of function.

Submission:

Labcorp Genetics (formerly Invitae), Labcorp
Classification: Pathogenic for Neurofibromatosis, type 1. Last evaluated: 2025-10-28. Review status: criteria provided, single submitter. Criteria: Invitae Variant Classification Sherloc (09022015). Collection method: clinical testing. Allele origin: germline.
Comment: This sequence change creates a premature translational stop signal (p.Ile2710Leufs*8) in the NF1 gene. It is expected to result in an absent or disrupted protein product. Loss-of-function variants in NF1 are known to be pathogenic (PMID: 10712197, 23913538). This variant is present in population databases (no rsID available, gnomAD 0.01%). This variant has not been reported in the literature in individuals affected with NF1-related conditions. For these reasons, this variant has been classified as Pathogenic.

Literature cited by the submitters: PubMed 10712197; PubMed 23913538.

NM_001042492.3(NF1):c.8190del (p.Ile2731fs)

Gene: NF1 (neurofibromin 1; plus strand). Cytogenetic location: 17q11.2.
Variant type: Deletion.
Coding change: c.8190del on transcript NM_001042492.3 (MANE Select); coding-DNA position 8190, one base deleted (T; older notation c.8190delT).
Protein change: p.Ile2731fs; shifts the reading frame from isoleucine 2731.
Molecular consequence: frameshift variant.
Genome position (GRCh38, 1-based): chr17:31,360,516, T deleted; the last of 2 consecutive T bases (chr17:31,360,515-31,360,516); deleting either gives the same sequence. VCF-style (leftmost placement, unchanged base first): chr17-31360514-CT-C. GRCh37 (hg19) VCF-style: chr17-29687532-CT-C.
Other names: c.8127del, p.Ile2710fs (NM_000267.4); short protein forms I2731fs, I2710fs.
Identifiers: ClinVar variation 4730087 (VCV004730087.1).